The following is an entry in ClinVar:

ClinVar aggregate classification (germline): Uncertain significance (1 of 4 stars; one submission).

Submission:

Labcorp Genetics (formerly Invitae), Labcorp
Classification: Uncertain significance. Last evaluated: 2021-10-15. Review status: criteria provided, single submitter. Criteria: Invitae Variant Classification Sherloc (09022015). Collection method: clinical testing. Allele origin: germline.
Comment: This sequence change replaces alanine with leucine at codon 387 of the ADAM9 protein (p.Ala387Leu). The alanine residue is highly conserved and there is a moderate physicochemical difference between alanine and leucine. The frequency data for this variant in the population databases is not available, as this variant may be reported as separate entries in the ExAC database. This variant has not been reported in the literature in individuals affected with ADAM9-related conditions. Algorithms developed to predict the effect of missense changes on protein structure and function are either unavailable or do not agree on the potential impact of this missense change (SIFT: "Not Available"; PolyPhen-2: "Benign"; Align-GVGD: "Not Available"). In summary, the available evidence is currently insufficient to determine the role of this variant in disease. Therefore, it has been classified as a Variant of Uncertain Significance.

NM_003816.3(ADAM9):c.1159_1160delinsTT (p.Ala387Leu)

Gene: ADAM9 (ADAM metallopeptidase domain 9; plus strand). Cytogenetic location: 8p11.22.
Variant type: Indel.
Coding change: c.1159_1160delinsTT on transcript NM_003816.3 (MANE Select); coding-DNA positions 1159 to 1160, GC replaced by TT.
Protein change: p.Ala387Leu; replaces alanine 387 with leucine.
Molecular consequence: missense variant. On other transcripts: non-coding transcript variant (3).
Genome position (GRCh38, 1-based): chr8:39,041,974-39,041,975, GC replaced by TT. VCF-style: chr8-39041974-GC-TT. GRCh37 (hg19) VCF-style: chr8-38899493-GC-TT.
Other names: short protein forms A387L.
Identifiers: ClinVar variation 1497513 (VCV001497513.3), dbSNP rs2129436327, ClinGen allele CA2573143202.